The following is an entry in ClinVar:

ClinVar aggregate classification (germline): Uncertain significance. Review status: criteria provided, multiple submitters, no conflicts (2 of 4 stars). 2 submissions from 2 submitters: Uncertain significance (2). Last evaluated 2023-05-12.

Conditions:
Hereditary nonpolyposis colorectal neoplasms. Identifiers: MedGen C0009405, MeSH D003123.
Hereditary cancer-predisposing syndrome. Also called: Hereditary neoplastic syndrome; Hereditary Cancer Syndrome; Neoplastic Syndromes, Hereditary; Tumor predisposition. Identifiers: Orphanet 140162, MedGen C0027672, MeSH D009386, MONDO:0015356.

Allele frequency attached by ClinVar (database versions not stated): TOPMed below 0.00001; gnomAD 0.00001.
gnomAD v4.1: 1 of 1,613,990 alleles (0.000062%); highest among the groups gnomAD compares: Non-Finnish European, 0.000085%; no homozygotes.

Submissions (2):

Ambry Genetics
Classification: Uncertain significance for Hereditary cancer-predisposing syndrome. Last evaluated: 2023-05-12. Review status: criteria provided, single submitter. Criteria: Ambry Variant Classification Scheme 2023. Collection method: clinical testing. Allele origin: germline.
Comment: The p.S292R variant (also known as c.876C>G), located in coding exon 4 of the MSH6 gene, results from a C to G substitution at nucleotide position 876. The serine at codon 292 is replaced by arginine, an amino acid with dissimilar properties. This amino acid position is conserved. In addition, the in silico prediction for this alteration is inconclusive. Since supporting evidence is limited at this time, the clinical significance of this alteration remains unclear.

Labcorp Genetics (formerly Invitae), Labcorp
Classification: Uncertain significance for Hereditary nonpolyposis colorectal neoplasms. Last evaluated: 2023-04-06. Review status: criteria provided, single submitter. Criteria: Invitae Variant Classification Sherloc (09022015). Collection method: clinical testing. Allele origin: germline.
Comment: This sequence change replaces serine, which is neutral and polar, with arginine, which is basic and polar, at codon 292 of the MSH6 protein (p.Ser292Arg). This variant is not present in population databases (gnomAD no frequency). In summary, the available evidence is currently insufficient to determine the role of this variant in disease. Therefore, it has been classified as a Variant of Uncertain Significance. Advanced modeling of protein sequence and biophysical properties (such as structural, functional, and spatial information, amino acid conservation, physicochemical variation, residue mobility, and thermodynamic stability) performed at Invitae indicates that this missense variant is not expected to disrupt MSH6 protein function. This variant has not been reported in the literature in individuals affected with MSH6-related conditions.

NM_000179.3(MSH6):c.876C>G (p.Ser292Arg)

Gene: MSH6 (mutS homolog 6; plus strand). Cytogenetic location: 2p16.3.
Variant type: single nucleotide variant.
Coding change: c.876C>G on transcript NM_000179.3 (MANE Select); coding-DNA position 876, C replaced by G.
Protein change: p.Ser292Arg; replaces serine 292 with arginine.
Molecular consequence: missense variant. On other transcripts: 5 prime UTR variant (9), non-coding transcript variant (4), intron variant (1).
Genome position (GRCh38, 1-based): chr2:47,798,859, C>G. VCF-style: chr2-47798859-C-G. GRCh37 (hg19) VCF-style: chr2-48025998-C-G.
Other names: c.486C>G, p.Ser162Arg (NM_001281492.2); c.-31C>G (NM_001281493.2, NM_001281494.2, NM_001406811.1 and 6 more transcripts); c.972C>G, p.Ser324Arg (NM_001406795.1, NM_001406802.1); c.876C>G, p.Ser292Arg (NM_001406796.1, NM_001406798.1, NM_001406800.1 and 4 more transcripts); c.579C>G, p.Ser193Arg (NM_001406797.1, NM_001406801.1, NM_001406805.1 and 10 more transcripts); c.351C>G, p.Ser117Arg (NM_001406799.1, NM_001406806.1, NM_001406807.1); c.798C>G, p.Ser266Arg (NM_001406804.1); c.882C>G, p.Ser294Arg (NM_001406813.1); and 2 more; short protein forms S117R, S324R, S162R, S294R, S193R, S236R, S266R, S292R.
Identifiers: ClinVar variation 2567482 (VCV002567482.5), dbSNP rs1468651245, ClinGen allele CA346740656.